The following is an entry in ClinVar:

ClinVar aggregate classification (germline): Benign (1 of 4 stars; one submission).

Allele frequency attached by ClinVar (database versions not stated): 1000 Genomes Project 0.73962; 1000 Genomes Project 30x 0.74157; ExAC 0.75825; gnomAD 0.79437; ESP Exome Variant Server 0.80141; gnomAD exomes 0.81952.

Submission:

Unidad de Genómica Garrahan, Hospital de Pediatría Garrahan
Classification: Benign. Last evaluated: 2024-01-24. Review status: criteria provided, single submitter. Criteria: ACMG Guidelines, 2015. Collection method: clinical testing. Allele origin: germline. Affected: no. Observed: 53 variant alleles.
Comment: This variant is classified as Benign based on local population frequency. This variant was detected in 60% of patients studied by a panel of primary immunodeficiencies. Number of patients: 53. Only high quality variants are reported.

NM_001040458.3(ERAP1):c.2100+47_2100+48dup

Gene: ERAP1 (endoplasmic reticulum aminopeptidase 1; minus strand). Cytogenetic location: 5q15.
Variant type: Duplication.
Coding change: c.2100+47_2100+48dup on transcript NM_001040458.3 (MANE Select); bases 47 to 48 of the intron after coding-DNA position 2100, 2 bases duplicated (AG; older notation c.2100+47_2100+48dupAG).
Molecular consequence: intron variant.
Genome position (GRCh38, 1-based): chr5:96,783,876-96,783,877, CT duplicated on the plus strand (AG on the coding strand, the reverse complement: ERAP1 is on the minus strand). VCF-style (leftmost placement, unchanged base first): chr5-96783875-A-ACT. GRCh37 (hg19) VCF-style: chr5-96119579-A-ACT.
Other names: c.2100+47_2100+48dup (NM_001349244.2, NM_016442.5, NM_001198541.3).
Identifiers: ClinVar variation 2688393 (VCV002688393.2), dbSNP rs70981840, ClinGen allele CA3352038.
Genomic context (GRCh38, chr5:96,783,875, plus strand): 5'-AGATACACACACACACACACACACACACACACACACACACATACACACACAATGATTAAC[A>ACT]CTTTTTAACACAAATAATAATTACATAACTTTTATTTCAGGCTTTTACCTTGAATTGAGT-3'